The following is an entry in ClinVar:

ClinVar aggregate classification (germline): Uncertain significance (1 of 4 stars; one submission).

Conditions:
Hereditary breast ovarian cancer syndrome. Also called: Hereditary breast and ovarian cancer syndrome; Hereditary breast and ovarian cancer syndrome (HBOC); BRCA1- and BRCA2-Associated Hereditary Breast and Ovarian Cancer; Hereditary breast and ovarian cancer; Breast and ovarian cancer; Hereditary breast and/or ovarian cancer syndrome. Identifiers: Orphanet 145, MedGen C0677776, MeSH D061325, MONDO:0003582. Disease mechanism: loss of function.

Submission:

Labcorp Genetics (formerly Invitae), Labcorp
Classification: Uncertain significance for Hereditary breast ovarian cancer syndrome. Last evaluated: 2024-09-03. Review status: criteria provided, single submitter. Criteria: Invitae Variant Classification Sherloc (09022015). Collection method: clinical testing. Allele origin: germline.
Comment: This sequence change replaces leucine, which is neutral and non-polar, with phenylalanine, which is neutral and non-polar, at codon 2962 of the BRCA2 protein (p.Leu2962Phe). This variant is not present in population databases (gnomAD no frequency). This variant has not been reported in the literature in individuals affected with BRCA2-related conditions. Invitae Evidence Modeling of protein sequence and biophysical properties (such as structural, functional, and spatial information, amino acid conservation, physicochemical variation, residue mobility, and thermodynamic stability) indicates that this missense variant is not expected to disrupt BRCA2 protein function with a negative predictive value of 95%. In summary, the available evidence is currently insufficient to determine the role of this variant in disease. Therefore, it has been classified as a Variant of Uncertain Significance.

NM_000059.4(BRCA2):c.8886A>C (p.Leu2962Phe)

Gene: BRCA2 (BRCA2 DNA repair associated; plus strand). Cytogenetic location: 13q13.1.
Variant type: single nucleotide variant.
Coding change: c.8886A>C on transcript NM_000059.4 (MANE Select); coding-DNA position 8886, A replaced by C.
Protein change: p.Leu2962Phe; replaces leucine 2962 with phenylalanine.
Molecular consequence: missense variant. On other transcripts: non-coding transcript variant (1).
Genome position (GRCh38, 1-based): chr13:32,379,448, A>C. VCF-style: chr13-32379448-A-C. GRCh37 (hg19) VCF-style: chr13-32953585-A-C.
Other names: c.8790A>C, p.Leu2930Phe (NM_001406719.1); c.8886A>C, p.Leu2962Phe (NM_001406720.1, NM_001432077.1); c.3954A>C, p.Leu1318Phe (NM_001406721.1); c.2469A>C, p.Leu823Phe (NM_001406722.1); short protein forms L823F, L1318F, L2930F, L2962F.
Identifiers: ClinVar variation 3636549 (VCV003636549.2).